The following is an entry in ClinVar:

ClinVar aggregate classification (germline): Conflicting classifications of pathogenicity. Review status: criteria provided, conflicting classifications (1 of 4 stars). 5 submissions from 5 submitters: Uncertain significance (3); Likely benign (1). 1 of the submissions does not count toward it. Last evaluated 2026-04-29.

Conditions:
Retinal dystrophy. Also called: Inherited retinal dystrophy. Identifiers: Orphanet 71862, MedGen C0854723, MeSH D058499, MONDO:0019118, HP:0000556.
Retinitis pigmentosa 33 (RP33). Identifiers: Orphanet 791, MedGen C1835895, MONDO:0012477, OMIM 610359.
SNRNP200-related disorder. Also called: SNRNP200-related condition.

Allele frequency attached by ClinVar (database versions not stated): TOPMed 0.00006; gnomAD 0.00007; gnomAD exomes 0.00010 and 0.00012; ExAC 0.00012.
gnomAD v4.1: 183 of 1,613,918 alleles (0.011%); highest among the groups gnomAD compares: Non-Finnish European, 0.013%; no homozygotes.

Submissions (5):

PreventionGenetics, part of Exact Sciences
Classification: Uncertain significance for SNRNP200-related condition. Last evaluated: 2026-04-29. Review status: criteria provided, single submitter. Criteria: ACMG Guidelines, 2015. Collection method: clinical testing. Allele origin: germline.
Comment: The SNRNP200 c.4943G>A variant is predicted to result in the amino acid substitution p.Arg1648Gln. To our knowledge, this variant has not been reported in the literature. This variant is reported in 0.016% of alleles in individuals of European (Non-Finnish) descent in gnomAD. At this time, the clinical significance of this variant is uncertain due to the absence of conclusive functional and genetic evidence.

Labcorp Genetics (formerly Invitae), Labcorp
Classification: Likely benign. Last evaluated: 2026-01-02. Review status: criteria provided, single submitter. Criteria: Invitae Variant Classification Sherloc (09022015). Collection method: clinical testing. Allele origin: germline.

Blueprint Genetics
Classification: Uncertain significance. Last evaluated: 2024-08-22. Review status: criteria provided, single submitter. Criteria: ACMG Guidelines, 2015. Collection method: clinical testing. Allele origin: germline.

Centre for Mendelian Genomics, University Medical Centre Ljubljana
Classification: Uncertain significance for Retinitis pigmentosa 33. Last evaluated: 2018-10-24. Review status: criteria provided, single submitter. Criteria: ACMG Guidelines, 2015. Collection method: clinical testing. Allele origin: unknown. Affected: yes.
Comment: This variant was classified as: Uncertain significance. The available evidence on this variant's pathogenicity is insufficient or conflicting. The following ACMG criteria were applied in classifying this variant: PP3,PP5.

Institute of Human Genetics, Univ. Regensburg, Univ. Regensburg
Classification: Uncertain significance for Retinal dystrophy. Last evaluated: 2016-01-01. Review status: no assertion criteria provided. Criteria: ACMG Guidelines, 2015. Collection method: clinical testing. Allele origin: germline. Affected: yes. Not counted in ClinVar's aggregate classification.

NM_014014.5(SNRNP200):c.4943G>A (p.Arg1648Gln)

Gene: SNRNP200 (small nuclear ribonucleoprotein U5 subunit 200; minus strand). Cytogenetic location: 2q11.2.
Variant type: single nucleotide variant.
Coding change: c.4943G>A on transcript NM_014014.5 (MANE Select); coding-DNA position 4943, G replaced by A.
Protein change: p.Arg1648Gln; replaces arginine 1648 with glutamine.
Molecular consequence: missense variant.
Genome position (GRCh38, 1-based): chr2:96,281,895, C>T on the plus strand (G>A on the coding strand, the complement: SNRNP200 is on the minus strand). VCF-style: chr2-96281895-C-T. GRCh37 (hg19) VCF-style: chr2-96947633-C-T.
Other names: short protein forms R1648Q.
Identifiers: ClinVar variation 931912 (VCV000931912.13), dbSNP rs200426430, ClinGen allele CA1778072.